The following is an entry in ClinVar:

ClinVar aggregate classification (germline): Likely benign. Review status: criteria provided, multiple submitters, no conflicts (2 of 4 stars). 2 submissions from 2 submitters: Likely benign (2). Last evaluated 2024-05-02.

Conditions:
Ataxia-telangiectasia syndrome (AT). Also called: LOUIS-BAR SYNDROME; ATAXIA-TELANGIECTASIA, COMPLEMENTATION GROUP A; ATAXIA-TELANGIECTASIA, FRESNO VARIANT; Ataxia-telangiectasia; Ataxia telangiectasia (A-T); Cerebello-oculocutaneous telangiectasia. Identifiers: Orphanet 100, MedGen C0004135, MONDO:0008840, OMIM 208900.

Submissions (2):

Labcorp Genetics (formerly Invitae), Labcorp
Classification: Likely benign for Ataxia-telangiectasia syndrome. Last evaluated: 2024-05-02. Review status: criteria provided, single submitter. Criteria: Invitae Variant Classification Sherloc (09022015). Collection method: clinical testing. Allele origin: germline.

GeneDx
Classification: Likely benign. Last evaluated: 2016-10-27. Review status: criteria provided, single submitter. Criteria: GeneDx Variant Classification (06012015). Collection method: clinical testing. Allele origin: germline. Affected: yes.
Comment: This variant is considered likely benign or benign based on one or more of the following criteria: it is a conservative change, it occurs at a poorly conserved position in the protein, it is predicted to be benign by multiple in silico algorithms, and/or has population frequency not consistent with disease.

NM_000051.4(ATM):c.4910-7T>A

Gene: ATM (ATM serine/threonine kinase; plus strand). Cytogenetic location: 11q22.3.
Variant type: single nucleotide variant.
Coding change: c.4910-7T>A on transcript NM_000051.4 (MANE Select); 7 bases into the intron before coding-DNA position 4910, T replaced by A.
Molecular consequence: intron variant.
Genome position (GRCh38, 1-based): chr11:108,297,280, T>A. VCF-style: chr11-108297280-T-A. GRCh37 (hg19) VCF-style: chr11-108168007-T-A.
Other names: c.4910-7T>A (NM_001351834.2).
Identifiers: ClinVar variation 380417 (VCV000380417.9), dbSNP rs3092872, ClinGen allele CA16605803.